The following is an entry in ClinVar:

ClinVar aggregate classification (germline): Uncertain significance (1 of 4 stars; one submission).

Submission:

GeneDx
Classification: Uncertain significance. Last evaluated: 2026-01-31. Review status: criteria provided, single submitter. Criteria: GeneDx Variant Classification Process June 2021. Collection method: clinical testing. Allele origin: germline.
Comment: Not observed at significant frequency in large population cohorts (gnomAD); In silico analysis suggests that this missense variant does not alter protein structure/function; In silico analysis supports a deleterious effect on splicing; Has not been previously published as pathogenic or benign to our knowledge

NM_020771.4(HACE1):c.1976A>G (p.Asn659Ser)

Gene: HACE1 (HECT domain and ankyrin repeat containing E3 ubiquitin protein ligase 1; minus strand). Cytogenetic location: 6q16.3.
Variant type: single nucleotide variant.
Coding change: c.1976A>G on transcript NM_020771.4 (MANE Select); coding-DNA position 1976, A replaced by G.
Protein change: p.Asn659Ser; replaces asparagine 659 with serine.
Molecular consequence: missense variant. On other transcripts: non-coding transcript variant (7).
Genome position (GRCh38, 1-based): chr6:104,771,963, T>C on the plus strand (A>G on the coding strand, the complement: HACE1 is on the minus strand). VCF-style: chr6-104771963-T-C. GRCh37 (hg19) VCF-style: chr6-105219838-T-C.
Other names: c.1844A>G, p.Asn615Ser (NM_001321080.2); c.1874A>G, p.Asn625Ser (NM_001321083.2); c.1472A>G, p.Asn491Ser (NM_001321084.2, NM_001350557.2, NM_001350558.2); c.1742A>G, p.Asn581Ser (NM_001350554.2); c.1685A>G, p.Asn562Ser (NM_001350555.2); c.1490A>G, p.Asn497Ser (NM_001350556.2); c.1394A>G, p.Asn465Ser (NM_001350559.2); c.1193A>G, p.Asn398Ser (NM_001350560.2); short protein forms N398S, N465S, N491S, N497S, N562S, N581S, N615S, N625S.
Identifiers: ClinVar variation 3906811 (VCV003906811.2).